The following is an entry in ClinVar:

NM_012414.4(RAB3GAP2):c.72C>T (p.His24=)

Gene: RAB3GAP2 (RAB3 GTPase activating non-catalytic protein subunit 2; minus strand). Cytogenetic location: 1q41.
Variant type: single nucleotide variant.
Coding change: c.72C>T on transcript NM_012414.4 (MANE Select); coding-DNA position 72, C replaced by T.
Protein change: p.His24=; no amino-acid change (histidine 24 retained).
Molecular consequence: synonymous variant.
Genome position (GRCh38, 1-based): chr1:220,272,266, G>A on the plus strand (C>T on the coding strand, the complement: RAB3GAP2 is on the minus strand). VCF-style: chr1-220272266-G-A. GRCh37 (hg19) VCF-style: chr1-220445608-G-A.
Other names: c.72C>T (NM_012414.3).
Identifiers: ClinVar variation 2194280 (VCV002194280.5), dbSNP rs549315137, ClinGen allele CA1403154.
Genomic context (GRCh38, chr1:220,272,266, plus strand): 5'-GCCAGAGAGGCACTTACTGGGGTCCCTCCGCAAGGCGCCGCTGAGGATCTCCTCCCGCAG[G>A]TGAGGAAAGAGGAAGTCCCGGGCGGCCTGGAGGTCCTGGAAGTAGCAGAACTGGACAATG-3'
Protein context (NP_036546.2, residues 14-34): LQAARDFLFP[His24=]LREEILSGAL

ClinVar aggregate classification (germline): Likely benign. Review status: criteria provided, multiple submitters, no conflicts (2 of 4 stars). 2 submissions from 2 submitters: Likely benign (2). Last evaluated 2025-02-12.

Conditions:
RAB3GAP2-related disorder. Also called: RAB3GAP2-related disorders; RAB3GAP2-related condition.
Martsolf syndrome (MARTS). Also called: Congenital cataract with intellectual disability and hypogonadotropic hypogonadism syndrome. Identifiers: Orphanet 1387, MedGen C0796037, MONDO:0023910.
Warburg micro syndrome 2 (WARBM2). Also called: MICRO SYNDROME 2. Identifiers: Orphanet 2510, MedGen C3280214, MONDO:0013641, OMIM 614225.

Allele frequency attached by ClinVar (database versions not stated): ExAC 0.00002; 1000 Genomes Project 0.00020; 1000 Genomes Project 30x 0.00031.
gnomAD v4.1: 34 of 1,612,172 alleles (0.0021%); highest among the groups gnomAD compares: African/African-American, 0.039%; no homozygotes.

Submissions (2):

PreventionGenetics, part of Exact Sciences
Classification: Likely benign for RAB3GAP2-related condition. Last evaluated: 2025-02-12. Review status: criteria provided, single submitter. Criteria: ACMG Guidelines, 2015. Collection method: clinical testing. Allele origin: germline.
Comment: This variant is classified as likely benign based on ACMG/AMP sequence variant interpretation guidelines (Richards et al. 2015 PMID: 25741868, with internal and published modifications).

Labcorp Genetics (formerly Invitae), Labcorp
Classification: Likely benign for Martsolf syndrome; Warburg micro syndrome 2. Last evaluated: 2024-12-12. Review status: criteria provided, single submitter. Criteria: Invitae Variant Classification Sherloc (09022015). Collection method: clinical testing. Allele origin: germline.